The following is an entry in ClinVar:

NM_006361.6(HOXB13):c.392C>A (p.Pro131Gln)

Gene: HOXB13 (homeobox B13; minus strand). Cytogenetic location: 17q21.32.
Variant type: single nucleotide variant.
Coding change: c.392C>A on transcript NM_006361.6 (MANE Select); coding-DNA position 392, C replaced by A.
Protein change: p.Pro131Gln; replaces proline 131 with glutamine.
Molecular consequence: missense variant.
Genome position (GRCh38, 1-based): chr17:48,728,202, G>T on the plus strand (C>A on the coding strand, the complement: HOXB13 is on the minus strand). VCF-style: chr17-48728202-G-T. GRCh37 (hg19) VCF-style: chr17-46805564-G-T.
Other names: short protein forms P131Q.
Identifiers: ClinVar variation 1460620 (VCV001460620.8), dbSNP rs2038234130, ClinGen allele CA400107550.
Genomic context (GRCh38, chr17:48,728,202, plus strand): 5'-GTCTGCACCACAGACACGTCCAGGTAACTGGCCATAGGCTGGTAGGTTCCCGGATATCCC[G>T]GATAGAAGGCAAACTCAGTGGGGCGGCTGGGGTACTCTTCCCCGGCCGTGGGAGTCTCCG-3'
Protein context (NP_006352.2, residues 121-141): PSRPTEFAFY[Pro131Gln]GYPGTYQPMA

ClinVar aggregate classification (germline): Uncertain significance. Review status: criteria provided, multiple submitters, no conflicts (2 of 4 stars). 2 submissions from 2 submitters: Uncertain significance (2). Last evaluated 2024-03-18.

Conditions:
Hereditary cancer-predisposing syndrome. Also called: Tumor predisposition; Hereditary neoplastic syndrome; Hereditary Cancer Syndrome; Neoplastic Syndromes, Hereditary. Identifiers: Orphanet 140162, MedGen C0027672, MeSH D009386, MONDO:0015356.

Allele frequency attached by ClinVar (database versions not stated): gnomAD exomes below 0.00001.
gnomAD v4.1: 1 of 1,614,196 alleles (0.000062%); highest among the groups gnomAD compares: Non-Finnish European, 0.000085%; no homozygotes.

Submissions (2):

Labcorp Genetics (formerly Invitae), Labcorp
Classification: Uncertain significance. Last evaluated: 2024-03-18. Review status: criteria provided, single submitter. Criteria: Invitae Variant Classification Sherloc (09022015). Collection method: clinical testing. Allele origin: germline.
Comment: This sequence change replaces proline, which is neutral and non-polar, with glutamine, which is neutral and polar, at codon 131 of the HOXB13 protein (p.Pro131Gln). This variant is not present in population databases (gnomAD no frequency). This variant has not been reported in the literature in individuals affected with HOXB13-related conditions. ClinVar contains an entry for this variant (Variation ID: 1460620). Advanced modeling of protein sequence and biophysical properties (such as structural, functional, and spatial information, amino acid conservation, physicochemical variation, residue mobility, and thermodynamic stability) performed at Invitae indicates that this missense variant is not expected to disrupt HOXB13 protein function with a negative predictive value of 80%. In summary, the available evidence is currently insufficient to determine the role of this variant in disease. Therefore, it has been classified as a Variant of Uncertain Significance.

Ambry Genetics
Classification: Uncertain significance for Hereditary cancer-predisposing syndrome. Last evaluated: 2022-10-05. Review status: criteria provided, single submitter. Criteria: Ambry Variant Classification Scheme 2023. Collection method: clinical testing. Allele origin: germline.
Comment: The p.P131Q variant (also known as c.392C>A), located in coding exon 1 of the HOXB13 gene, results from a C to A substitution at nucleotide position 392. The proline at codon 131 is replaced by glutamine, an amino acid with similar properties. This amino acid position is conserved. In addition, this alteration is predicted to be tolerated by in silico analysis. Since supporting evidence is limited at this time, the clinical significance of this alteration remains unclear.